The following is an entry in ClinVar:

ClinVar aggregate classification (germline): Uncertain significance (1 of 4 stars; one submission).

Submission:

Labcorp Genetics (formerly Invitae), Labcorp
Classification: Uncertain significance. Last evaluated: 2025-12-30. Review status: criteria provided, single submitter. Criteria: Invitae Variant Classification Sherloc (09022015). Collection method: clinical testing. Allele origin: germline.
Comment: This sequence change replaces aspartic acid, which is acidic and polar, with valine, which is neutral and non-polar, at codon 36 of the ABCB11 protein (p.Asp36Val). This variant is not present in population databases (gnomAD no frequency). This variant has not been reported in the literature in individuals affected with ABCB11-related conditions. Invitae Evidence Modeling of protein sequence and biophysical properties (such as structural, functional, and spatial information, amino acid conservation, physicochemical variation, residue mobility, and thermodynamic stability) indicates that this missense variant is not expected to disrupt ABCB11 protein function with a negative predictive value of 95%. Algorithms developed to predict the effect of sequence changes on RNA splicing suggest that this variant may disrupt the consensus splice site. In summary, the available evidence is currently insufficient to determine the role of this variant in disease. Therefore, it has been classified as a Variant of Uncertain Significance.

NM_003742.4(ABCB11):c.107A>T (p.Asp36Val)

Gene: ABCB11 (ATP binding cassette subfamily B member 11; minus strand). Cytogenetic location: 2q31.1.
Variant type: single nucleotide variant.
Coding change: c.107A>T on transcript NM_003742.4 (MANE Select); coding-DNA position 107, A replaced by T.
Protein change: p.Asp36Val; replaces aspartic acid 36 with valine.
Molecular consequence: missense variant.
Genome position (GRCh38, 1-based): chr2:169,014,346, T>A on the plus strand (A>T on the coding strand, the complement: ABCB11 is on the minus strand). VCF-style: chr2-169014346-T-A. GRCh37 (hg19) VCF-style: chr2-169870856-T-A.
Other names: short protein forms D36V.
Identifiers: ClinVar variation 4800301 (VCV004800301.1).